The following is an entry in ClinVar:

ClinVar aggregate classification (germline): Benign/Likely benign. Review status: criteria provided, multiple submitters, no conflicts (2 of 4 stars). 11 submissions from 7 submitters: Benign (7); Likely benign (2). 2 of the submissions do not count toward it. Last evaluated 2026-02-03.

Conditions:
Meacham syndrome. Also called: Meacham Winn Culler syndrome. Identifiers: Orphanet 3097, MedGen C1837026, MONDO:0012164, OMIM 608978.
Frasier syndrome. Identifiers: Orphanet 347, MedGen C0950122, MeSH D052159, MONDO:0007635, OMIM 136680.
Drash syndrome (DDS). Also called: NEPHROPATHY, WILMS TUMOR, AND GENITAL ANOMALIES; WILMS TUMOR AND PSEUDO- OR TRUE HERMAPHRODITISM. Identifiers: Orphanet 220, MedGen C0950121, MONDO:0008682, OMIM 194080.
Wilms tumor 1 (WT1). Also called: Wilms tumor, somatic. Identifiers: Orphanet 654, MedGen CN033288, MONDO:0008679, OMIM 194070.
11p partial monosomy syndrome (WAGR). Also called: CHROMOSOME 11p13 DELETION SYNDROME; WAGR Complex; WAGR syndrome; WAGR Spectrum Disorder. Identifiers: Orphanet 893, MedGen C0206115, MONDO:0008681, OMIM 194072.
Nephrotic syndrome, type 4 (NPHS4). Also called: Familial mesangial sclerosis; Nephrotic syndrome, early onset with diffuse mesangial sclerosis. Identifiers: Orphanet 656, MedGen C3151568, MONDO:0009733, OMIM 256370.

Allele frequency attached by ClinVar (database versions not stated): gnomAD exomes 0.00064 and 0.00166; ExAC 0.00264; gnomAD 0.00615 and 0.00663; TOPMed 0.00701; ESP Exome Variant Server 0.00762; 1000 Genomes Project 0.00859; 1000 Genomes Project 30x 0.00937.

Submissions (11):

Labcorp Genetics (formerly Invitae), Labcorp
Classification: Benign for Wilms tumor 1; Drash syndrome; 11p partial monosomy syndrome; Frasier syndrome. Last evaluated: 2026-02-03. Review status: criteria provided, single submitter. Criteria: Invitae Variant Classification Sherloc (09022015). Collection method: clinical testing. Allele origin: germline.

Blueprint Genetics
Classification: Likely benign. Last evaluated: 2024-11-26. Review status: criteria provided, single submitter. Criteria: ACMG Guidelines, 2015. Collection method: clinical testing. Allele origin: germline.

Genome-Nilou Lab
Classification: Benign for Drash syndrome. Last evaluated: 2021-12-05. Review status: criteria provided, single submitter. Criteria: ACMG Guidelines, 2015. Collection method: clinical testing. Allele origin: germline. Affected: no.

Genome-Nilou Lab
Classification: Benign for Frasier syndrome. Last evaluated: 2021-12-05. Review status: criteria provided, single submitter. Criteria: ACMG Guidelines, 2015. Collection method: clinical testing. Allele origin: germline. Affected: no.

Genome-Nilou Lab
Classification: Benign for Meacham syndrome. Last evaluated: 2021-12-05. Review status: criteria provided, single submitter. Criteria: ACMG Guidelines, 2015. Collection method: clinical testing. Allele origin: germline. Affected: no.

Genome-Nilou Lab
Classification: Benign for Nephrotic syndrome, type 4. Last evaluated: 2021-12-05. Review status: criteria provided, single submitter. Criteria: ACMG Guidelines, 2015. Collection method: clinical testing. Allele origin: germline. Affected: no.

Genome-Nilou Lab
Classification: Benign for Wilms tumor 1. Last evaluated: 2021-12-05. Review status: criteria provided, single submitter. Criteria: ACMG Guidelines, 2015. Collection method: clinical testing. Allele origin: germline. Affected: no.

GeneDx
Classification: Likely benign. Last evaluated: 2017-05-17. Review status: criteria provided, single submitter. Criteria: GeneDx Variant Classification (06012015). Collection method: clinical testing. Allele origin: germline. Affected: yes.
Comment: This variant is considered likely benign or benign based on one or more of the following criteria: it is a conservative change, it occurs at a poorly conserved position in the protein, it is predicted to be benign by multiple in silico algorithms, and/or has population frequency not consistent with disease.

PreventionGenetics, part of Exact Sciences
Classification: Benign. Review status: criteria provided, single submitter. Criteria: ACMG Guidelines, 2015. Collection method: clinical testing. Allele origin: germline.

Genome Diagnostics Laboratory, Amsterdam University Medical Center
Classification: Benign. Review status: no assertion criteria provided. Collection method: clinical testing. Allele origin: germline. Affected: yes. Study: VKGL Data-share Consensus. Not counted in ClinVar's aggregate classification.

Genome Diagnostics Laboratory, University Medical Center Utrecht
Classification: Benign. Review status: no assertion criteria provided. Collection method: clinical testing. Allele origin: germline. Affected: yes. Study: VKGL Data-share Consensus. Not counted in ClinVar's aggregate classification.

NM_024426.6(WT1):c.785-20G>T

Gene: WT1 (WT1 transcription factor; minus strand). Cytogenetic location: 11p13.
Variant type: single nucleotide variant.
Coding change: c.785-20G>T on transcript NM_024426.6 (MANE Select); 20 bases into the intron before coding-DNA position 785, G replaced by T.
Molecular consequence: intron variant.
Genome position (GRCh38, 1-based): chr11:32,428,078, C>A on the plus strand (G>T on the coding strand, the complement: WT1 is on the minus strand). VCF-style: chr11-32428078-C-A. GRCh37 (hg19) VCF-style: chr11-32449624-C-A.
Other names: c.662-20G>T (NM_001407050.1, NM_001407047.1); c.785-20G>T (NM_001407048.1, NM_001407049.1, NM_000378.6 and 4 more transcripts); c.23-20G>T (NM_001407051.1); c.134-20G>T (NM_001198552.2, NM_001198551.2).
Identifiers: ClinVar variation 261715 (VCV000261715.15), dbSNP rs5030168, ClinGen allele CA065612.